The following is an entry in ClinVar:

NM_001032283.3(TMPO):c.565+2224A>G

Gene: TMPO (thymopoietin; plus strand). Cytogenetic location: 12q23.1.
Variant type: single nucleotide variant.
Coding change: c.565+2224A>G on transcript NM_001032283.3 (MANE Select); 2224 bases into the intron after coding-DNA position 565, A replaced by G.
Molecular consequence: intron variant. On other transcripts: missense variant (1).
Genome position (GRCh38, 1-based): chr12:98,534,062, A>G. VCF-style: chr12-98534062-A-G. GRCh37 (hg19) VCF-style: chr12-98927840-A-G.
Other names: c.1805A>G, p.Gln602Arg (NM_003276.2); c.565+2224A>G (NM_001307975.2, NM_001032284.3); short protein forms Q602R.
Identifiers: ClinVar variation 178144 (VCV000178144.23), dbSNP rs34983516, ClinGen allele CA181546.

ClinVar aggregate classification (germline): Likely benign. Review status: criteria provided, multiple submitters, no conflicts (2 of 4 stars). 6 submissions from 6 submitters: Likely benign (5). 1 of the submissions does not count toward it. Last evaluated 2026-01-24.

Conditions:
TMPO-related disorder. Also called: TMPO-related condition.
Loeys-Dietz syndrome 2 (LDS2). Also called: TGFBR2-Related Loeys-Dietz Syndrome; AORTIC ANEURYSM, FAMILIAL THORACIC 3; MARFAN SYNDROME, TYPE II; Marfan Syndrome type 2; Marfan like connective tissue disorder; MFS 2. Identifiers: Orphanet 284973, Orphanet 558, MedGen C2674574, MONDO:0012427, OMIM 610168.

Allele frequency attached by ClinVar (database versions not stated): gnomAD exomes 0.00009 and 0.00024; gnomAD 0.00089 and 0.00098; 1000 Genomes Project 30x 0.00094; TOPMed 0.00097; ExAC 0.00033; 1000 Genomes Project 0.00120; ESP Exome Variant Server 0.00131.
gnomAD v4.1: 276 of 1,609,278 alleles (0.017%); highest among the groups gnomAD compares: African/African-American, 0.28%; 1 homozygote.

Submissions (6):

Labcorp Genetics (formerly Invitae), Labcorp
Classification: Likely benign for Loeys-Dietz syndrome 2. Last evaluated: 2026-01-24. Review status: criteria provided, single submitter. Criteria: Invitae Variant Classification Sherloc (09022015). Collection method: clinical testing. Allele origin: germline.

Women's Health and Genetics/Laboratory Corporation of America, LabCorp
Classification: Likely benign. Last evaluated: 2023-08-19. Review status: criteria provided, single submitter. Criteria: LabCorp Variant Classification Summary - May 2015. Collection method: clinical testing. Allele origin: germline.

GeneDx
Classification: Likely benign. Last evaluated: 2021-03-11. Review status: criteria provided, single submitter. Criteria: GeneDx Variant Classification Process June 2021. Collection method: clinical testing. Allele origin: germline. Affected: yes.

Ambry Genetics
Classification: Likely benign. Last evaluated: 2015-11-11. Review status: criteria provided, single submitter. Criteria: Ambry Variant Classification Scheme 2023. Collection method: clinical testing. Allele origin: germline.

Laboratory for Molecular Medicine, Mass General Brigham Personalized Medicine
Classification: Likely benign. Last evaluated: 2014-07-16. Review status: criteria provided, single submitter. Criteria: LMM Criteria. Collection method: clinical testing. Allele origin: germline. Observed: 1 variant allele.
Comment: Gln602Arg in exon 4A of TMPO: This variant is not expected to have clinical sign ificance due to its frequency in the general population as well as a lack of evo lutionary conservation. It has been identified in 0.34% (15/4406) of African Ame rican chromosomes by the NHLBI Exome Sequencing Project and 2 mammals have an ar ginine (Arg) at this position despite high nearby amino acid conservation.

PreventionGenetics, part of Exact Sciences
Classification: Likely benign for TMPO-related condition. Last evaluated: 2021-11-14. Review status: no assertion criteria provided. Collection method: clinical testing. Allele origin: germline. Not counted in ClinVar's aggregate classification.
Comment: This variant is classified as likely benign based on ACMG/AMP sequence variant interpretation guidelines (Richards et al. 2015 PMID: 25741868, with internal and published modifications).